The following is an entry in ClinVar:

ClinVar aggregate classification (germline): Uncertain significance. Review status: criteria provided, multiple submitters, no conflicts (2 of 4 stars). 2 submissions from 2 submitters: Uncertain significance (2). Last evaluated 2021-11-30.

Conditions:
Hyperkalemic periodic paralysis. Also called: Familial hyperkalemic periodic paralysis; Gamstorp disease. Identifiers: Orphanet 682, MedGen C0238357, MONDO:0008224, OMIM 170500, HP:0007215.

gnomAD v4.1: 5 of 1,613,674 alleles (0.00031%); highest among the groups gnomAD compares: South Asian, 0.0033%; no homozygotes.

Submissions (2):

Labcorp Genetics (formerly Invitae), Labcorp
Classification: Uncertain significance for Hyperkalemic periodic paralysis. Last evaluated: 2021-11-30. Review status: criteria provided, single submitter. Criteria: Invitae Variant Classification Sherloc (09022015). Collection method: clinical testing. Allele origin: germline.
Comment: This sequence change replaces proline, which is neutral and non-polar, with leucine, which is neutral and non-polar, at codon 578 of the SCN4A protein (p.Pro578Leu). In summary, the available evidence is currently insufficient to determine the role of this variant in disease. Therefore, it has been classified as a Variant of Uncertain Significance. Algorithms developed to predict the effect of missense changes on protein structure and function are either unavailable or do not agree on the potential impact of this missense change (SIFT: "Deleterious"; PolyPhen-2: "Probably Damaging"; Align-GVGD: "Class C0"). This variant has not been reported in the literature in individuals affected with SCN4A-related conditions. This variant is present in population databases (no rsID available, gnomAD 0.006%).

Revvity Omics, Revvity
Classification: Uncertain significance. Last evaluated: 2021-03-16. Review status: criteria provided, single submitter. Criteria: ACMG Guidelines, 2015. Collection method: clinical testing. Allele origin: germline.

NM_000334.4(SCN4A):c.1733C>T (p.Pro578Leu)

Gene: SCN4A (sodium voltage-gated channel alpha subunit 4; minus strand). Cytogenetic location: 17q23.3.
Variant type: single nucleotide variant.
Coding change: c.1733C>T on transcript NM_000334.4 (MANE Select); coding-DNA position 1733, C replaced by T.
Protein change: p.Pro578Leu; replaces proline 578 with leucine.
Molecular consequence: missense variant.
Genome position (GRCh38, 1-based): chr17:63,961,305, G>A on the plus strand (C>T on the coding strand, the complement: SCN4A is on the minus strand). VCF-style: chr17-63961305-G-A. GRCh37 (hg19) VCF-style: chr17-62038665-G-A.
Other names: short protein forms P578L.
Identifiers: ClinVar variation 1357274 (VCV001357274.9), dbSNP rs1370498653, ClinGen allele CA400633273.